The following is an entry in ClinVar:

ClinVar aggregate classification (germline): Uncertain significance. Review status: criteria provided, multiple submitters, no conflicts (2 of 4 stars). 2 submissions from 2 submitters: Uncertain significance (2). Last evaluated 2024-05-22.

Conditions:
Hereditary cancer-predisposing syndrome. Also called: Neoplastic Syndromes, Hereditary; Tumor predisposition; Hereditary Cancer Syndrome; Hereditary neoplastic syndrome. Identifiers: Orphanet 140162, MedGen C0027672, MeSH D009386, MONDO:0015356.
Familial cancer of breast. Also called: BREAST CANCER, FAMILIAL; Hereditary breast cancer; hereditary breast carcinoma. Identifiers: Orphanet 227535, MedGen C0346153, MONDO:0016419, OMIM 114480. Disease mechanism: loss of function.

Allele frequency attached by ClinVar (database versions not stated): gnomAD exomes below 0.00001.

Submissions (2):

Ambry Genetics
Classification: Uncertain significance for Hereditary cancer-predisposing syndrome. Last evaluated: 2024-05-22. Review status: criteria provided, single submitter. Criteria: Ambry Variant Classification Scheme 2023. Collection method: clinical testing. Allele origin: germline.
Comment: The p.L984F variant (also known as c.2950C>T), located in coding exon 9 of the PALB2 gene, results from a C to T substitution at nucleotide position 2950. The leucine at codon 984 is replaced by phenylalanine, an amino acid with highly similar properties. This amino acid position is not well conserved in available vertebrate species. In addition, this alteration is predicted to be tolerated by in silico analysis. Since supporting evidence is limited at this time, the clinical significance of this alteration remains unclear.

Labcorp Genetics (formerly Invitae), Labcorp
Classification: Uncertain significance for Familial cancer of breast. Last evaluated: 2024-01-09. Review status: criteria provided, single submitter. Criteria: Invitae Variant Classification Sherloc (09022015). Collection method: clinical testing. Allele origin: germline.
Comment: This sequence change replaces leucine, which is neutral and non-polar, with phenylalanine, which is neutral and non-polar, at codon 984 of the PALB2 protein (p.Leu984Phe). This variant is not present in population databases (gnomAD no frequency). This variant has not been reported in the literature in individuals affected with PALB2-related conditions. ClinVar contains an entry for this variant (Variation ID: 1798054). Advanced modeling of protein sequence and biophysical properties (such as structural, functional, and spatial information, amino acid conservation, physicochemical variation, residue mobility, and thermodynamic stability) performed at Invitae indicates that this missense variant is expected to disrupt PALB2 protein function with a positive predictive value of 80%. In summary, the available evidence is currently insufficient to determine the role of this variant in disease. Therefore, it has been classified as a Variant of Uncertain Significance.

NM_024675.4(PALB2):c.2950C>T (p.Leu984Phe)

Gene: PALB2 (partner and localizer of BRCA2; minus strand). Cytogenetic location: 16p12.2.
Variant type: single nucleotide variant.
Coding change: c.2950C>T on transcript NM_024675.4 (MANE Select); coding-DNA position 2950, C replaced by T.
Protein change: p.Leu984Phe; replaces leucine 984 with phenylalanine.
Molecular consequence: missense variant.
Genome position (GRCh38, 1-based): chr16:23,623,015, G>A on the plus strand (C>T on the coding strand, the complement: PALB2 is on the minus strand). VCF-style: chr16-23623015-G-A. GRCh37 (hg19) VCF-style: chr16-23634336-G-A.
Other names: c.2890C>T, p.Leu964Phe (NM_001407296.1); c.2878C>T, p.Leu960Phe (NM_001407297.1); c.2788C>T, p.Leu930Phe (NM_001407298.1, NM_001407302.1); c.2950C>T, p.Leu984Phe (NM_001407299.1, NM_001407301.1); c.2065C>T, p.Leu689Phe (NM_001407304.1, NM_001407305.1, NM_001407306.1 and 4 more transcripts); c.1903C>T, p.Leu635Phe (NM_001407307.1); c.1162C>T, p.Leu388Phe (NM_001407312.1, NM_001407313.1); c.484C>T, p.Leu162Phe (NM_001407314.1); short protein forms L635F, L930F, L960F, L964F, L162F, L388F, L689F, L984F.
Identifiers: ClinVar variation 1798054 (VCV001798054.6), dbSNP rs2506333920, ClinGen allele CA395144040.
Genomic context (GRCh38, chr16:23,623,015, plus strand): 5'-AATGCTTTTCTTACCCTCCATCTTCTGCAAACGTCATGACTTCTACTTGTTGATCAGAAA[G>A]GGTCCCACTGCTACTAACTAGCCTCCTCTTTGTCAGGCCAAGCACAGCTTTTATATTTCC-3'
Protein context (NP_078951.2, residues 974-994): KRRLVSSSGT[Leu984Phe]SDQQVEVMTF